The following is an entry in ClinVar:

ClinVar aggregate classification (germline): Uncertain significance (1 of 4 stars; one submission).

Conditions:
Epileptic encephalopathy. Identifiers: MedGen C0543888, HP:0200134.

Allele frequency attached by ClinVar (database versions not stated): TOPMed 0.00003; gnomAD 0.00004 and 0.00005; gnomAD exomes 0.00005 and 0.00007; ExAC 0.00012.
gnomAD v4.1: 85 of 1,613,130 alleles (0.0053%); highest among the groups gnomAD compares: Non-Finnish European, 0.0067%; no homozygotes.

Submission:

Labcorp Genetics (formerly Invitae), Labcorp
Classification: Uncertain significance for Epileptic encephalopathy. Last evaluated: 2019-12-30. Review status: criteria provided, single submitter. Criteria: Invitae Variant Classification Sherloc (09022015). Collection method: clinical testing. Allele origin: germline.
Comment: This sequence change falls in intron 14 of the RYR3 gene. It does not directly change the encoded amino acid sequence of the RYR3 protein, but it affects a nucleotide within the consensus splice site of the intron. This variant is present in population databases (rs752704653, ExAC 0.02%). This variant has not been reported in the literature in individuals with RYR3-related conditions. Nucleotide substitutions within the consensus splice site are a relatively common cause of aberrant splicing (PMID: 17576681, 9536098). Algorithms developed to predict the effect of sequence changes on RNA splicing suggest that this variant may disrupt the consensus splice site, but this prediction has not been confirmed by published transcriptional studies. In summary, the available evidence is currently insufficient to determine the role of this variant in disease. Therefore, it has been classified as a Variant of Uncertain Significance.

Literature cited by the submitters: PubMed 17576681; PubMed 9536098.

NM_001036.6(RYR3):c.1573+4A>G

Gene: RYR3 (ryanodine receptor 3; plus strand). Cytogenetic location: 15q14.
Variant type: single nucleotide variant.
Coding change: c.1573+4A>G on transcript NM_001036.6 (MANE Select); 4 bases into the intron after coding-DNA position 1573, A replaced by G.
Molecular consequence: intron variant.
Genome position (GRCh38, 1-based): chr15:33,581,647, A>G. VCF-style: chr15-33581647-A-G. GRCh37 (hg19) VCF-style: chr15-33873848-A-G.
Other names: c.1573+4A>G (NM_001243996.4).
Identifiers: ClinVar variation 846045 (VCV000846045.9), dbSNP rs752704653, ClinGen allele CA7458162.
Genomic context (GRCh38, chr15:33,581,647, plus strand): 5'-GGGAAGAGAGTGGCATGGCCTGGAAAGAAATTCTGAACCTCCTCTACAAATTGCTGGGTA[A>G]GTACACATACAGTGCCTTCTCCCTGGGATGATTTCCATGGGATTTCCACGTGCAATCCCA-3'